The following is an entry in ClinVar:

NM_001009944.3(PKD1):c.12445-1G>T

Genes: MIR1225 (microRNA 1225; minus strand), PKD1 (polycystin 1, transient receptor potential channel interacting; minus strand). Cytogenetic location: 16p13.3.
Variant type: single nucleotide variant.
Coding change: c.12445-1G>T on transcript NM_001009944.3 (MANE Select); the canonical splice acceptor site of the intron before coding-DNA position 12445, G replaced by T.
Molecular consequence: splice acceptor variant. On other transcripts: non-coding transcript variant (1).
Genome position (GRCh38, 1-based): chr16:2,090,195, C>A on the plus strand (G>T on the coding strand, the complement: PKD1 is on the minus strand). VCF-style: chr16-2090195-C-A. GRCh37 (hg19) VCF-style: chr16-2140196-C-A.
Other names: c.12442-1G>T (NM_000296.4).
Identifiers: ClinVar variation 3376911 (VCV003376911.2).

ClinVar aggregate classification (germline): Pathogenic. Review status: criteria provided, multiple submitters, no conflicts (2 of 4 stars). 2 submissions from 2 submitters: Pathogenic (2). Last evaluated 2024-10-09.

Conditions:
Polycystic kidney disease, adult type (PKD1). Also called: POLYCYSTIC KIDNEY DISEASE, ADULT, TYPE I; Polycystic Kidney Disease 1, Autosomal Dominant; Polycystic kidney disease 1; Polycystic kidney disease 1, severe; Polycystic Kidney, Autosomal Dominant; POLYCYSTIC KIDNEY DISEASE 1 WITH OR WITHOUT POLYCYSTIC LIVER DISEASE. Identifiers: MedGen C3149841, MONDO:0008263, OMIM 173900.

Submissions (2):

Victorian Clinical Genetics Services, Murdoch Childrens Research Institute
Classification: Pathogenic for Polycystic kidney disease, adult type. Last evaluated: 2024-10-09. Review status: criteria provided, single submitter. Criteria: ACMG Guidelines, 2015. Collection method: clinical testing. Allele origin: germline. Inheritance: Autosomal dominant inheritance. Affected: yes.
Comment: Based on the classification scheme VCGS_Germline_v1.3.4, this variant is classified as Pathogenic. Following criteria are met: 0102 - Loss of function is a known mechanism of disease in this gene and is associated with polycystic kidney disease 1 (MIM#173900). (I) 0107 - This gene is associated with autosomal dominant disease. Polycystic kidney disease 1 (MIM#173900) is predominantly caused by monoallelic variants, with rare reports of biallelic variants causing disease (OMIM). (I) 0211 - Canonical splice site variant without proven consequence on splicing (no functional evidence available). (SP) 0251 - This variant is heterozygous. (I) 0301 - Variant is absent from gnomAD (both v2 and v3). (SP) 0505 - Abnormal splicing is predicted by in silico tools and affected nucleotide is highly conserved. (SP) 0702 - Other splice site variants comparable to the one identified in this case have strong previous evidence for pathogenicity. Three alternative changes, c.12455-1G>A, c.12445-2A>C and c.12445-3C>G, have been reported in individuals with ADPKD (ClinVar,, PMIDs: 10200984, 24611717, 31730820). (SP) 0803 - This variant has limited previous evidence of pathogenicity in an unrelated individual. This variant has been reported as heterozygous in one individual with ADPKD (Senter et al. 2021). (SP) 0905 - No published segregation evidence has been identified for this variant. (I) 1007 - No published functional evidence has been identified for this variant. (I) 1208 - Inheritance information for this variant is not currently available in this individual. (I) Legend: (SP) - Supporting pathogenic, (I) - Information, (SB) - Supporting benign

Fulgent Genetics
Classification: Pathogenic for Polycystic kidney disease, adult type. Last evaluated: 2024-02-02. Review status: criteria provided, single submitter. Criteria: ACMG Guidelines, 2015. Collection method: clinical testing. Allele origin: germline.

Literature cited by the submitters: PubMed 10200984 (cited by Victorian Clinical Genetics Services, Murdoch Childrens Research Institute); PubMed 24611717 (cited by Victorian Clinical Genetics Services, Murdoch Childrens Research Institute); PubMed 31730820 (cited by Victorian Clinical Genetics Services, Murdoch Childrens Research Institute).